The following is an entry in ClinVar:

NM_001243925.2(MAPKAPK3):c.932C>T (p.Pro311Leu)

Gene: MAPKAPK3 (MAPK activated protein kinase 3; plus strand). Cytogenetic location: 3p21.2.
Variant type: single nucleotide variant.
Coding change: c.932C>T on transcript NM_001243925.2 (MANE Select); coding-DNA position 932, C replaced by T.
Protein change: p.Pro311Leu; replaces proline 311 with leucine.
Molecular consequence: missense variant.
Genome position (GRCh38, 1-based): chr3:50,647,139, C>T. VCF-style: chr3-50647139-C-T. GRCh37 (hg19) VCF-style: chr3-50684570-C-T.
Other names: c.932C>T, p.Pro311Leu (NM_001243926.2, NM_004635.5); short protein forms P311L.
Identifiers: ClinVar variation 1404377 (VCV001404377.8), dbSNP rs2033319564, ClinGen allele CA352936924.

ClinVar aggregate classification (germline): Uncertain significance (1 of 4 stars; one submission).

Allele frequency attached by ClinVar (database versions not stated): TOPMed below 0.00001.

Submission:

Labcorp Genetics (formerly Invitae), Labcorp
Classification: Uncertain significance. Last evaluated: 2021-05-20. Review status: criteria provided, single submitter. Criteria: Invitae Variant Classification Sherloc (09022015). Collection method: clinical testing. Allele origin: germline.
Comment: In summary, the available evidence is currently insufficient to determine the role of this variant in disease. Therefore, it has been classified as a Variant of Uncertain Significance. Algorithms developed to predict the effect of missense changes on protein structure and function (SIFT, PolyPhen-2, Align-GVGD) all suggest that this variant is likely to be disruptive, but these predictions have not been confirmed by published functional studies and their clinical significance is uncertain. This variant has not been reported in the literature in individuals with MAPKAPK3-related conditions. This variant is not present in population databases (ExAC no frequency). This sequence change replaces proline with leucine at codon 311 of the MAPKAPK3 protein (p.Pro311Leu). The proline residue is highly conserved and there is a moderate physicochemical difference between proline and leucine.